The following is an entry in ClinVar:

NM_006231.4(POLE):c.2024T>A (p.Phe675Tyr)

Gene: POLE (DNA polymerase epsilon, catalytic subunit; minus strand). Cytogenetic location: 12q24.33.
Variant type: single nucleotide variant.
Coding change: c.2024T>A on transcript NM_006231.4 (MANE Select); coding-DNA position 2024, T replaced by A.
Protein change: p.Phe675Tyr; replaces phenylalanine 675 with tyrosine.
Molecular consequence: missense variant.
Genome position (GRCh38, 1-based): chr12:132,668,637, A>T on the plus strand (T>A on the coding strand, the complement: POLE is on the minus strand). VCF-style: chr12-132668637-A-T. GRCh37 (hg19) VCF-style: chr12-133245223-A-T.
Other names: short protein forms F675Y.
Identifiers: ClinVar variation 2447957 (VCV002447957.2), dbSNP rs2135977704, ClinGen allele CA387354638.

ClinVar aggregate classification (germline): Uncertain significance (1 of 4 stars; one submission).

Conditions:
Hereditary cancer-predisposing syndrome. Also called: Neoplastic Syndromes, Hereditary; Hereditary Cancer Syndrome; Tumor predisposition; Hereditary neoplastic syndrome. Identifiers: Orphanet 140162, MedGen C0027672, MeSH D009386, MONDO:0015356.

Submission:

Ambry Genetics
Classification: Uncertain significance for Hereditary cancer-predisposing syndrome. Last evaluated: 2023-03-05. Review status: criteria provided, single submitter. Criteria: Ambry Variant Classification Scheme 2023. Collection method: clinical testing. Allele origin: germline.
Comment: The p.F675Y variant (also known as c.2024T>A), located in coding exon 18 of the POLE gene, results from a T to A substitution at nucleotide position 2024. The phenylalanine at codon 675 is replaced by tyrosine, an amino acid with highly similar properties. This amino acid position is conserved. In addition, this alteration is predicted to be tolerated by in silico analysis. Since supporting evidence is limited at this time, the clinical significance of this alteration remains unclear.